The following is an entry in ClinVar:

NM_024577.4(SH3TC2):c.924C>A (p.Phe308Leu)

Gene: SH3TC2 (SH3 domain and tetratricopeptide repeats 2; minus strand). Cytogenetic location: 5q32.
Variant type: single nucleotide variant.
Coding change: c.924C>A on transcript NM_024577.4 (MANE Select); coding-DNA position 924, C replaced by A.
Protein change: p.Phe308Leu; replaces phenylalanine 308 with leucine.
Molecular consequence: missense variant.
Genome position (GRCh38, 1-based): chr5:149,038,372, G>T on the plus strand (C>A on the coding strand, the complement: SH3TC2 is on the minus strand). VCF-style: chr5-149038372-G-T. GRCh37 (hg19) VCF-style: chr5-148417935-G-T.
Other names: short protein forms F308L.
Identifiers: ClinVar variation 1400068 (VCV001400068.8), dbSNP rs753884201, ClinGen allele CA3499348.
Genomic context (GRCh38, chr5:149,038,372, plus strand): 5'-AGGATCTATGTTCCTGGTGGGGACAAAGCCCACTTGTCCTGAACTTGTCGACTTTCCAAT[G>T]AACCACTGAAGCCCAGGTATGACAAAGCCGATGATCTCAATGCTTTCTCCCTGGTAGAAA-3'
Protein context (NP_078853.2, residues 298-318): IGFVIPGLQW[Phe308Leu]IGKSTSSGQV

ClinVar aggregate classification (germline): Uncertain significance (1 of 4 stars; one submission).

Conditions:
Charcot-Marie-Tooth disease type 4. Also called: Charcot-Marie-Tooth disease, type IV; Charcot-Marie-Tooth, Type 4. Identifiers: Orphanet 64749, MedGen C4082197, MONDO:0018995.

Allele frequency attached by ClinVar (database versions not stated): gnomAD 0.00001; gnomAD exomes 0.00001 and 0.00002; TOPMed 0.00001; ExAC 0.00002.
gnomAD v4.1: 7 of 1,614,068 alleles (0.00043%); highest among the groups gnomAD compares: Admixed American, 0.012%; no homozygotes.

Submission:

Labcorp Genetics (formerly Invitae), Labcorp
Classification: Uncertain significance for Charcot-Marie-Tooth disease type 4. Last evaluated: 2025-01-27. Review status: criteria provided, single submitter. Criteria: Invitae Variant Classification Sherloc (09022015). Collection method: clinical testing. Allele origin: germline.
Comment: This sequence change replaces phenylalanine, which is neutral and non-polar, with leucine, which is neutral and non-polar, at codon 308 of the SH3TC2 protein (p.Phe308Leu). This variant is present in population databases (rs753884201, gnomAD 0.02%). This variant has not been reported in the literature in individuals affected with SH3TC2-related conditions. ClinVar contains an entry for this variant (Variation ID: 1400068). Invitae Evidence Modeling of protein sequence and biophysical properties (such as structural, functional, and spatial information, amino acid conservation, physicochemical variation, residue mobility, and thermodynamic stability) has been performed for this missense variant. However, the output from this modeling did not meet the statistical confidence thresholds required to predict the impact of this variant on SH3TC2 protein function. In summary, the available evidence is currently insufficient to determine the role of this variant in disease. Therefore, it has been classified as a Variant of Uncertain Significance.